The following is an entry in ClinVar:

ClinVar aggregate classification (germline): Uncertain significance. Review status: criteria provided, multiple submitters, no conflicts (2 of 4 stars). 2 submissions from 2 submitters: Uncertain significance (2). Last evaluated 2026-08-16.

Conditions:
Cardiovascular phenotype. Identifiers: MedGen CN230736.
Ehlers-Danlos syndrome, classic type, 1 (EDSCL1). Also called: Ehlers-Danlos syndrome, type 1; Ehlers-Danlos Syndrome, Classic Type, COL5A1-Related; EHLERS-DANLOS SYNDROME, GRAVIS TYPE; EHLERS-DANLOS SYNDROME, SEVERE CLASSIC TYPE; EDS I. Identifiers: MedGen C0268335, MONDO:0019567, OMIM 130000.
Osteogenesis imperfecta type I (OI1). Also called: Classic Non-deforming Osteogenesis Imperfecta with Blue Sclerae; Lobstein's Disease; OI, TYPE I; OSTEOGENESIS IMPERFECTA TARDA; OSTEOGENESIS IMPERFECTA WITH BLUE SCLERAE; Osteogenesis imperfecta type 1. Identifiers: Orphanet 216796, Orphanet 666, MedGen C0023931, MONDO:0008146, OMIM 166200. Disease mechanism: loss of function.

gnomAD v4.1: 4 of 1,613,768 alleles (0.00025%); highest among the groups gnomAD compares: Non-Finnish European, 0.00025%; no homozygotes.

Submissions (2):

Ambry Genetics
Classification: Uncertain significance for Cardiovascular phenotype. Last evaluated: 2026-08-16. Review status: criteria provided, single submitter. Criteria: Ambry Variant Classification Scheme 2023. Collection method: clinical testing. Allele origin: germline.
Comment: The p.D474E variant (also known as c.1422C>G), located in coding exon 25 of the COL1A2 gene, results from a C to G substitution at nucleotide position 1422. The aspartic acid at codon 474 is replaced by glutamic acid, an amino acid with highly similar properties. This amino acid position is conserved. In addition, the in silico prediction for this alteration is inconclusive. Based on the available evidence, the clinical significance of this variant remains unclear.

Labcorp Genetics (formerly Invitae), Labcorp
Classification: Uncertain significance for Osteogenesis imperfecta type I; Ehlers-Danlos syndrome, classic type, 1. Last evaluated: 2025-04-23. Review status: criteria provided, single submitter. Criteria: Invitae Variant Classification Sherloc (09022015). Collection method: clinical testing. Allele origin: germline.
Comment: This sequence change replaces aspartic acid, which is acidic and polar, with glutamic acid, which is acidic and polar, at codon 474 of the COL1A2 protein (p.Asp474Glu). This variant is present in population databases (rs766360064, gnomAD 0.002%). This variant has not been reported in the literature in individuals affected with COL1A2-related conditions. ClinVar contains an entry for this variant (Variation ID: 2924145). Invitae Evidence Modeling of protein sequence and biophysical properties (such as structural, functional, and spatial information, amino acid conservation, physicochemical variation, residue mobility, and thermodynamic stability) indicates that this missense variant is not expected to disrupt COL1A2 protein function with a negative predictive value of 95%. In summary, the available evidence is currently insufficient to determine the role of this variant in disease. Therefore, it has been classified as a Variant of Uncertain Significance.

NM_000089.4(COL1A2):c.1422C>G (p.Asp474Glu)

Gene: COL1A2 (collagen type I alpha 2 chain; plus strand). Cytogenetic location: 7q21.3.
Variant type: single nucleotide variant.
Coding change: c.1422C>G on transcript NM_000089.4 (MANE Select); coding-DNA position 1422, C replaced by G.
Protein change: p.Asp474Glu; replaces aspartic acid 474 with glutamic acid.
Molecular consequence: missense variant.
Genome position (GRCh38, 1-based): chr7:94,412,601, C>G. VCF-style: chr7-94412601-C-G. GRCh37 (hg19) VCF-style: chr7-94041913-C-G.
Other names: short protein forms D474E.
Identifiers: ClinVar variation 2924145 (VCV002924145.4), dbSNP rs766360064, ClinGen allele CA4347056.